The following is an entry in ClinVar:

NM_001267550.2(TTN):c.10242C>T (p.Tyr3414=)

Gene: TTN (titin; minus strand). Cytogenetic location: 2q31.2.
Variant type: single nucleotide variant.
Coding change: c.10242C>T on transcript NM_001267550.2 (MANE Select); coding-DNA position 10242, C replaced by T.
Protein change: p.Tyr3414=; no amino-acid change (tyrosine 3414 retained).
Molecular consequence: synonymous variant.
Genome position (GRCh38, 1-based): chr2:178,759,045, G>A on the plus strand (C>T on the coding strand, the complement: TTN is on the minus strand). VCF-style: chr2-178759045-G-A. GRCh37 (hg19) VCF-style: chr2-179623772-G-A.
Other names: p.Y3414Y:TAC>TAT; p.Tyr3414=; c.10242C>T, p.Tyr3414= (NM_001256850.1, NM_133378.4, NM_133379.5); c.10104C>T, p.Tyr3368= (NM_003319.4, NM_133432.3, NM_133437.4).
Identifiers: ClinVar variation 46581 (VCV000046581.89), dbSNP rs45447891, ClinGen allele CA282647.

ClinVar aggregate classification (germline): Conflicting classifications of pathogenicity. Review status: criteria provided, conflicting classifications (1 of 4 stars). 25 submissions from 21 submitters: Uncertain significance (3); Benign (13); Likely benign (4). 5 of the submissions do not count toward it. Last evaluated 2026-09-01.

Conditions:
Cardiovascular phenotype. Identifiers: MedGen CN230736.
Autosomal recessive limb-girdle muscular dystrophy type 2J (LGMDR10). Also called: MUSCULAR DYSTROPHY, LIMB-GIRDLE, AUTOSOMAL RECESSIVE 10; Limb-girdle muscular dystrophy, type 2J. Identifiers: Orphanet 140922, MedGen C1837342, MONDO:0012127, OMIM 608807.
Dilated cardiomyopathy 1G (CMD1G). Identifiers: Orphanet 154, MedGen C1858763, MONDO:0011400, OMIM 604145.
Cardiomyopathy (CMYO). Also called: Cardiomyopathies. Identifiers: Orphanet 167848, MedGen C0878544, MONDO:0004994, HP:0001638. Inheritance: Various modes of inheritance.
Early-onset myopathy with fatal cardiomyopathy (CMYO5). Also called: CONGENITAL MYOPATHY 5 WITH CARDIOMYOPATHY; Salih Myopathy. Identifiers: Orphanet 289377, MedGen C2673677, MONDO:0012714, OMIM 611705. Disease mechanism: loss of function.
Myopathy, myofibrillar, 9, with early respiratory failure (MFM9). Also called: Myopathy, distal, with early respiratory failure, autosomal dominant; Hereditary myopathy with early respiratory failure; EDSTROM MYOPATHY; MYOPATHY, PROXIMAL, WITH EARLY RESPIRATORY MUSCLE INVOLVEMENT. Identifiers: Orphanet 178464, Orphanet 34521, MedGen C1863599, MONDO:0011362, OMIM 603689.
Tibial muscular dystrophy (TMD). Also called: Tibial muscular dystrophy, tardive; Udd Distal Myopathy – Tibial Muscular Dystrophy; UDD MYOPATHY. Identifiers: Orphanet 609, MedGen C1838244, MONDO:0010870, OMIM 600334.

Allele frequency attached by ClinVar (database versions not stated): gnomAD exomes 0.00738 and 0.00551; ExAC 0.00501; 1000 Genomes Project 30x 0.00265; 1000 Genomes Project 0.00260; TOPMed 0.00468; gnomAD 0.00523 and 0.00530; ESP Exome Variant Server 0.00607.
gnomAD v4.1: 11,510 of 1,613,972 alleles (0.71%); highest among the groups gnomAD compares: Non-Finnish European, 0.86%; 48 homozygotes.

Submissions (25):

CeGaT Center for Human Genetics Tuebingen
Classification: Likely benign. Last evaluated: 2026-09-01. Review status: criteria provided, single submitter. Criteria: CeGaT Center For Human Genetics Tuebingen Variant Classification Criteria Version 2. Collection method: clinical testing. Allele origin: germline. Affected: yes. Observed: 104 variant alleles.
Comment: TTN: BP4, BP7

Labcorp Genetics (formerly Invitae), Labcorp
Classification: Benign for Dilated cardiomyopathy 1G; Autosomal recessive limb-girdle muscular dystrophy type 2J. Last evaluated: 2026-02-03. Review status: criteria provided, single submitter. Criteria: Invitae Variant Classification Sherloc (09022015). Collection method: clinical testing. Allele origin: germline.

ARUP Laboratories, Molecular Genetics and Genomics, ARUP Laboratories
Classification: Benign. Last evaluated: 2025-04-21. Review status: criteria provided, single submitter. Criteria: ARUP Molecular Germline Variant Investigation Process 2024. Collection method: clinical testing. Allele origin: germline.

Molecular Diagnostic Laboratory for Inherited Cardiovascular Disease, Montreal Heart Institute
Classification: Benign. Last evaluated: 2025-04-09. Review status: criteria provided, single submitter. Criteria: ACMG Guidelines, 2015. Collection method: clinical testing. Allele origin: germline. Affected: no.

Blueprint Genetics
Classification: Likely benign. Last evaluated: 2024-11-26. Review status: criteria provided, single submitter. Criteria: ACMG Guidelines, 2015. Collection method: clinical testing. Allele origin: germline.

Athena Diagnostics
Classification: Benign. Last evaluated: 2024-05-17. Review status: criteria provided, single submitter. Criteria: Athena Diagnostics Criteria. Collection method: clinical testing. Allele origin: unknown.

Mayo Clinic Laboratories, Mayo Clinic
Classification: Benign. Last evaluated: 2023-08-08. Review status: criteria provided, single submitter. Criteria: ACMG Guidelines, 2015. Collection method: clinical testing. Allele origin: germline. Observed: 27 variant alleles.
Comment: BS1, BS2, BP4, BP7

Women's Health and Genetics/Laboratory Corporation of America, LabCorp
Classification: Benign. Last evaluated: 2019-10-08. Review status: criteria provided, single submitter. Criteria: LabCorp Variant Classification Summary - May 2015. Collection method: clinical testing. Allele origin: germline.
Comment: Variant summary: TTN c.10242C>T alters a non-conserved nucleotide resulting in a synonymous change. 5/5 computational tools predict no significant impact on normal splicing. However, these predictions have yet to be confirmed by functional studies. The variant allele was found at a frequency of 0.0055 in 251076 control chromosomes, predominantly at a frequency of 0.0083 within the Non-Finnish European subpopulation in the gnomAD database, including 4 homozygotes. The observed variant frequency within Non-Finnish European control individuals in the gnomAD database is approximately 13-folds over the estimated maximal expected allele frequency for a pathogenic variant in TTN causing Cardiomyopathy phenotype (0.00063), strongly suggesting that the variant is a benign polymorphism found primarily in populations of Non-Finnish European origin. Three ClinVar submissions (evaluation after 2014) cites the variant as benign. Based on the evidence outlined above, the variant was classified as benign.

Illumina Laboratory Services, Illumina
Classification: Uncertain significance for Autosomal recessive limb-girdle muscular dystrophy type 2J. Last evaluated: 2018-01-12. Review status: criteria provided, single submitter. Criteria: ICSL Variant Classification Criteria 13 December 2019. Collection method: clinical testing. Allele origin: germline.

Illumina Laboratory Services, Illumina
Classification: Benign for Myopathy, myofibrillar, 9, with early respiratory failure. Last evaluated: 2018-01-12. Review status: criteria provided, single submitter. Criteria: ICSL Variant Classification Criteria 13 December 2019. Collection method: clinical testing. Allele origin: germline.
Comment: This variant was observed in the ICSL laboratory as part of a predisposition screen in an ostensibly healthy population. It had not been previously curated by ICSL or reported in the Human Gene Mutation Database (HGMD: prior to June 1st, 2018), and was therefore a candidate for classification through an automated scoring system. Utilizing variant allele frequency, disease prevalence and penetrance estimates, and inheritance mode, an automated score was calculated to assess if this variant is too frequent to cause the disease. Based on the score and internal cut-off values, a variant classified as benign is not then subjected to further curation. The score for this variant resulted in a classification of benign for this disease.

Illumina Laboratory Services, Illumina
Classification: Benign for Tibial muscular dystrophy. Last evaluated: 2018-01-12. Review status: criteria provided, single submitter. Criteria: ICSL Variant Classification Criteria 13 December 2019. Collection method: clinical testing. Allele origin: germline.
Comment: the same text as in the submission from Illumina Laboratory Services, Illumina above.

Illumina Laboratory Services, Illumina
Classification: Uncertain significance for Dilated cardiomyopathy 1G. Last evaluated: 2018-01-12. Review status: criteria provided, single submitter. Criteria: ICSL Variant Classification Criteria 13 December 2019. Collection method: clinical testing. Allele origin: germline.

Illumina Laboratory Services, Illumina
Classification: Uncertain significance for Early-onset myopathy with fatal cardiomyopathy. Last evaluated: 2018-01-12. Review status: criteria provided, single submitter. Criteria: ICSL Variant Classification Criteria 13 December 2019. Collection method: clinical testing. Allele origin: germline.

CHEO Genetics Diagnostic Laboratory, Children's Hospital of Eastern Ontario
Classification: Benign for Cardiomyopathy. Last evaluated: 2016-10-14. Review status: criteria provided, single submitter. Criteria: ACMG Guidelines, 2015. Collection method: clinical testing. Allele origin: germline. Study: Canadian Open Genetics Repository.

Eurofins Ntd Llc (ga)
Classification: Benign. Last evaluated: 2015-07-20. Review status: criteria provided, single submitter. Criteria: EGL Classification Definitions 2015. Collection method: clinical testing. Allele origin: germline. Observed: 1 variant allele, 1 heterozygote.

GeneDx
Classification: Benign. Last evaluated: 2013-09-26. Review status: criteria provided, single submitter. Criteria: GeneDx Variant Classification (06012015). Collection method: clinical testing. Allele origin: germline. Affected: yes.
Comment: This variant is considered likely benign or benign based on one or more of the following criteria: it is a conservative change, it occurs at a poorly conserved position in the protein, it is predicted to be benign by multiple in silico algorithms, and/or has population frequency not consistent with disease.

Genetic Services Laboratory, University of Chicago
Classification: Likely benign for AllHighlyPenetrant. Last evaluated: 2013-08-20. Review status: criteria provided, single submitter. Criteria: ACMG Guidelines, 2007. Collection method: clinical testing. Allele origin: germline.

Ambry Genetics
Classification: Likely benign for Cardiovascular phenotype. Last evaluated: 2012-07-29. Review status: criteria provided, single submitter. Criteria: Ambry Autosomal Dominant and X-Linked criteria (10/2015). Collection method: clinical testing. Allele origin: germline. Observed: 1 variant allele.

Laboratory for Molecular Medicine, Mass General Brigham Personalized Medicine
Classification: Benign. Last evaluated: 2012-01-24. Review status: criteria provided, single submitter. Criteria: LMM Criteria. Collection method: clinical testing. Allele origin: germline. Observed: 21 variant alleles.
Comment: This variant does not change an amino acid. It is classified as benign based on its frequency in the general population 3/120 chromosomes, 27/4548 chomosomes; d bSNP rs45447891 and 66/7020 Eurpean American chromosomes; NHLBI Exome variant po rject).

PreventionGenetics, part of Exact Sciences
Classification: Benign. Review status: criteria provided, single submitter. Criteria: ACMG Guidelines, 2015. Collection method: clinical testing. Allele origin: germline.

Clinical Genetics DNA and cytogenetics Diagnostics Lab, Erasmus MC, Erasmus Medical Center
Classification: Benign. Review status: no assertion criteria provided. Collection method: clinical testing. Allele origin: germline. Affected: yes. Study: VKGL Data-share Consensus. Not counted in ClinVar's aggregate classification.

Clinical Genetics, Academic Medical Center
Classification: Benign. Review status: no assertion criteria provided. Collection method: clinical testing. Allele origin: germline. Affected: yes. Study: VKGL Data-share Consensus. Not counted in ClinVar's aggregate classification.

Diagnostic Laboratory, Department of Genetics, University Medical Center Groningen
Classification: Likely benign. Review status: no assertion criteria provided. Collection method: clinical testing. Allele origin: germline. Affected: yes. Study: VKGL Data-share Consensus. Not counted in ClinVar's aggregate classification.

Joint Genome Diagnostic Labs from Nijmegen and Maastricht, Radboudumc and MUMC+
Classification: Benign. Review status: no assertion criteria provided. Collection method: clinical testing. Allele origin: germline. Affected: yes. Study: VKGL Data-share Consensus. Not counted in ClinVar's aggregate classification.

Laboratory of Diagnostic Genome Analysis, Leiden University Medical Center (LUMC)
Classification: Likely benign. Review status: no assertion criteria provided. Collection method: clinical testing. Allele origin: germline. Affected: yes. Study: VKGL Data-share Consensus. Not counted in ClinVar's aggregate classification.

Literature cited by the submitters: PubMed 33874732 (cited by Athena Diagnostics).